The following is an entry in ClinVar:

NM_001048174.2(MUTYH):c.1089G>T (p.Gln363His)

Gene: MUTYH (mutY DNA glycosylase; minus strand). Cytogenetic location: 1p34.1.
Variant type: single nucleotide variant.
Coding change: c.1089G>T on transcript NM_001048174.2 (MANE Select); coding-DNA position 1089, G replaced by T.
Protein change: p.Gln363His; replaces glutamine 363 with histidine.
Molecular consequence: missense variant. On other transcripts: non-coding transcript variant (7).
Genome position (GRCh38, 1-based): chr1:45,331,674, C>A on the plus strand (G>T on the coding strand, the complement: MUTYH is on the minus strand). VCF-style: chr1-45331674-C-A. GRCh37 (hg19) VCF-style: chr1-45797346-C-A.
Other names: c.744G>T, p.Gln248His (NM_001407082.1, NM_001350650.2, NM_001350651.2); c.1131G>T, p.Gln377His (NM_001407083.1, NM_001407085.1); c.1092G>T, p.Gln364His (NM_001407078.1, NM_001407086.1, NM_001048172.2 and 1 more transcripts); c.1050G>T, p.Gln350His (NM_001407079.1); c.1047G>T, p.Gln349His (NM_001407080.1); c.1089G>T, p.Gln363His (NM_001407081.1, NM_001407088.1, NM_001407089.1 and 6 more transcripts); c.1110G>T, p.Gln370His (NM_001407087.1); c.813G>T, p.Gln271His (NM_001407091.1, NM_001293192.2, NM_001293196.2); and 5 more; short protein forms Q271H, Q363H, Q374H, Q248H, Q335H, Q350H, Q364H, Q378H.
Identifiers: ClinVar variation 4113074 (VCV004113074.1).

ClinVar aggregate classification (germline): Uncertain significance (1 of 4 stars; one submission).

Conditions:
Hereditary cancer-predisposing syndrome. Also called: Tumor predisposition; Neoplastic Syndromes, Hereditary; Hereditary neoplastic syndrome; Hereditary Cancer Syndrome. Identifiers: Orphanet 140162, MedGen C0027672, MeSH D009386, MONDO:0015356.

Submission:

Ambry Genetics
Classification: Uncertain significance for Hereditary cancer-predisposing syndrome. Last evaluated: 2025-08-27. Review status: criteria provided, single submitter. Criteria: Ambry Variant Classification Scheme 2023. Collection method: clinical testing. Allele origin: germline.
Comment: The p.Q391H variant (also known as c.1173G>T), located in coding exon 12 of the MUTYH gene, results from a G to T substitution at nucleotide position 1173. The glutamine at codon 391 is replaced by histidine, an amino acid with highly similar properties. This amino acid position is conserved. In addition, this alteration is predicted to be deleterious by in silico analysis. Based on the available evidence, the clinical significance of this variant remains unclear.